The following is an entry in ClinVar:

NM_003235.5(TG):c.7813C>T (p.Arg2605Ter)

Gene: TG (thyroglobulin; plus strand). Cytogenetic location: 8q24.22.
Variant type: single nucleotide variant.
Coding change: c.7813C>T on transcript NM_003235.5 (MANE Select); coding-DNA position 7813, C replaced by T.
Protein change: p.Arg2605Ter; replaces arginine 2605 with a stop codon.
Molecular consequence: nonsense.
Genome position (GRCh38, 1-based): chr8:133,116,667, C>T. VCF-style: chr8-133116667-C-T. GRCh37 (hg19) VCF-style: chr8-134128911-C-T.
Other names: short protein forms R2605*.
Identifiers: ClinVar variation 2962428 (VCV002962428.3), dbSNP rs759171140, ClinGen allele CA4885796.

ClinVar aggregate classification (germline): Pathogenic (1 of 4 stars; one submission).

Allele frequency attached by ClinVar (database versions not stated): gnomAD 0.00001; gnomAD exomes 0.00001; TOPMed 0.00002; ExAC 0.00003.

Submission:

Labcorp Genetics (formerly Invitae), Labcorp
Classification: Pathogenic. Last evaluated: 2024-01-31. Review status: criteria provided, single submitter. Criteria: Invitae Variant Classification Sherloc (09022015). Collection method: clinical testing. Allele origin: germline.
Comment: This sequence change creates a premature translational stop signal (p.Arg2605*) in the TG gene. It is expected to result in an absent or disrupted protein product. Loss-of-function variants in TG are known to be pathogenic (PMID: 19837936, 23164529). This variant is present in population databases (rs759171140, gnomAD 0.004%). This premature translational stop signal has been observed in individual(s) with clinical features of TG-related conditions (PMID: 34063177, 34484748). For these reasons, this variant has been classified as Pathogenic.

Literature cited by the submitters: PubMed 19837936; PubMed 23164529; PubMed 34063177; PubMed 34484748.